The following is an entry in ClinVar:

ClinVar aggregate classification (germline): Uncertain significance. Review status: criteria provided, multiple submitters, no conflicts (2 of 4 stars). 2 submissions from 2 submitters: Uncertain significance (2). Last evaluated 2023-12-22.

Allele frequency attached by ClinVar (database versions not stated): gnomAD 0.00001; TOPMed 0.00001; gnomAD exomes 0.00002; ExAC 0.00006.
gnomAD v4.1: 30 of 1,612,112 alleles (0.0019%); highest among the groups gnomAD compares: Middle Eastern, 0.016%; no homozygotes.

Submissions (2):

Ambry Genetics
Classification: Uncertain significance. Last evaluated: 2023-12-22. Review status: criteria provided, single submitter. Criteria: Ambry Variant Classification Scheme 2023. Collection method: clinical testing. Allele origin: germline.

Labcorp Genetics (formerly Invitae), Labcorp
Classification: Uncertain significance. Last evaluated: 2023-11-07. Review status: criteria provided, single submitter. Criteria: Invitae Variant Classification Sherloc (09022015). Collection method: clinical testing. Allele origin: germline.
Comment: This sequence change replaces serine, which is neutral and polar, with leucine, which is neutral and non-polar, at codon 51 of the FBLN1 protein (p.Ser51Leu). The frequency data for this variant in the population databases is considered unreliable, as metrics indicate poor data quality at this position in the gnomAD database. This variant has not been reported in the literature in individuals affected with FBLN1-related conditions. An algorithm developed to predict the effect of missense changes on protein structure and function (PolyPhen-2) suggests that this variant is likely to be disruptive. In summary, the available evidence is currently insufficient to determine the role of this variant in disease. Therefore, it has been classified as a Variant of Uncertain Significance.

NM_006486.3(FBLN1):c.152C>T (p.Ser51Leu)

Gene: FBLN1 (fibulin 1; plus strand). Cytogenetic location: 22q13.31.
Variant type: single nucleotide variant.
Coding change: c.152C>T on transcript NM_006486.3 (MANE Select); coding-DNA position 152, C replaced by T.
Protein change: p.Ser51Leu; replaces serine 51 with leucine.
Molecular consequence: missense variant.
Genome position (GRCh38, 1-based): chr22:45,518,754, C>T. VCF-style: chr22-45518754-C-T. GRCh37 (hg19) VCF-style: chr22-45914634-C-T.
Other names: c.152C>T (NM_006486.2); c.152C>T, p.Ser51Leu (NM_001996.4, NM_006485.4, NM_006487.3); short protein forms S51L.
Identifiers: ClinVar variation 2976409 (VCV002976409.4), dbSNP rs772445995, ClinGen allele CA10286439.
Genomic context (GRCh38, chr22:45,518,754, plus strand): 5'-TCCTCCTGGAGGCCTGCTGTGCGGACGGACACCGGATGGCCACTCATCAGAAGGACTGCT[C>T]GCTGCCATATGCTACGGAATCCAAAGAATGCAGGTACGTTTGCCAGTGGCCACTGTTTCA-3'
Protein context (NP_006477.3, residues 41-61): HRMATHQKDC[Ser51Leu]LPYATESKEC